The following is an entry in ClinVar:

NM_000429.3(MAT1A):c.341C>A (p.Ser114Tyr)

Gene: MAT1A (methionine adenosyltransferase 1A; minus strand). Cytogenetic location: 10q22.3.
Variant type: single nucleotide variant.
Coding change: c.341C>A on transcript NM_000429.3 (MANE Select); coding-DNA position 341, C replaced by A.
Protein change: p.Ser114Tyr; replaces serine 114 with tyrosine.
Molecular consequence: missense variant.
Genome position (GRCh38, 1-based): chr10:80,280,744, G>T on the plus strand (C>A on the coding strand, the complement: MAT1A is on the minus strand). VCF-style: chr10-80280744-G-T. GRCh37 (hg19) VCF-style: chr10-82040500-G-T.
Other names: short protein forms S114Y.
Identifiers: ClinVar variation 1362905 (VCV001362905.8), dbSNP rs2132706241, ClinGen allele CA377363055.
Genomic context (GRCh38, chr10:80,280,744, plus strand): 5'-TCTCCTGCCCCCACATCCTCCTCATTTCTGTCCAGATGGACGCACTGGGCAATATCTGGG[G>T]ATTGCTGCTCCAAAGCCACCAGCACGTTGCAAGTCTTGAAGTCAAAGCCTAGGCGGAAGC-3'
Protein context (NP_000420.1, residues 104-124): CNVLVALEQQ[Ser114Tyr]PDIAQCVHLD

ClinVar aggregate classification (germline): Uncertain significance (1 of 4 stars; one submission).

Conditions:
Hepatic methionine adenosyltransferase deficiency. Also called: Deficiency of methionine adenosyltransferase; MAT I/III DEFICIENCY; Methionine adenosyltransferase deficiency; Isolated Persistent Hypermethioninemia. Identifiers: Orphanet 168598, MedGen C0268621, MeSH C564683, MONDO:0009607, OMIM 250850.

Submission:

Labcorp Genetics (formerly Invitae), Labcorp
Classification: Uncertain significance for Hepatic methionine adenosyltransferase deficiency. Last evaluated: 2021-06-21. Review status: criteria provided, single submitter. Criteria: Invitae Variant Classification Sherloc (09022015). Collection method: clinical testing. Allele origin: germline.
Comment: In summary, the available evidence is currently insufficient to determine the role of this variant in disease. Therefore, it has been classified as a Variant of Uncertain Significance. Algorithms developed to predict the effect of missense changes on protein structure and function (SIFT, PolyPhen-2, Align-GVGD) all suggest that this variant is likely to be disruptive, but these predictions have not been confirmed by published functional studies and their clinical significance is uncertain. This variant has not been reported in the literature in individuals with MAT1A-related conditions. This variant is not present in population databases (ExAC no frequency). This sequence change replaces serine with tyrosine at codon 114 of the MAT1A protein (p.Ser114Tyr). The serine residue is highly conserved and there is a large physicochemical difference between serine and tyrosine.